The following is an entry in ClinVar:

ClinVar aggregate classification (germline): Benign. Review status: criteria provided, multiple submitters, no conflicts (2 of 4 stars). 2 submissions from 2 submitters: Benign (2). Last evaluated 2018-01-12.

Conditions:
Vesicoureteral reflux 2 (VUR2). Identifiers: Orphanet 289365, MedGen C1970483, MONDO:0012573, OMIM 610878.

Allele frequency attached by ClinVar (database versions not stated): 1000 Genomes Project 0.01997; 1000 Genomes Project 30x 0.02030; TOPMed 0.02099; gnomAD 0.02511 and 0.02593.

Submissions (2):

Illumina Laboratory Services, Illumina
Classification: Benign for Vesicoureteral reflux 2. Last evaluated: 2018-01-12. Review status: criteria provided, single submitter. Criteria: ICSL Variant Classification Criteria 13 December 2019. Collection method: clinical testing. Allele origin: germline.
Comment: This variant was observed in the ICSL laboratory as part of a predisposition screen in an ostensibly healthy population. It had not been previously curated by ICSL or reported in the Human Gene Mutation Database (HGMD: prior to June 1st, 2018), and was therefore a candidate for classification through an automated scoring system. Utilizing variant allele frequency, disease prevalence and penetrance estimates, and inheritance mode, an automated score was calculated to assess if this variant is too frequent to cause the disease. Based on the score and internal cut-off values, a variant classified as benign is not then subjected to further curation. The score for this variant resulted in a classification of benign for this disease.

Breakthrough Genomics
Classification: Benign. Review status: criteria provided, single submitter. Criteria: ACMG Guidelines, 2015. Collection method: not provided. Allele origin: germline. Inheritance: Autosomal dominant inheritance. Affected: yes.

NM_001395656.1(ROBO2):c.*3151A>G

Gene: ROBO2 (roundabout guidance receptor 2; plus strand). Cytogenetic location: 3p12.3.
Variant type: single nucleotide variant.
Coding change: c.*3151A>G on transcript NM_001395656.1 (MANE Select); 3151 bases downstream of the stop codon, A replaced by G.
Molecular consequence: 3 prime UTR variant.
Genome position (GRCh38, 1-based): chr3:77,649,206, A>G. VCF-style: chr3-77649206-A-G. GRCh37 (hg19) VCF-style: chr3-77698357-A-G.
Other names: c.*3151A>G (NM_001128929.3, NM_001290039.2, NM_001290040.2 and 14 more transcripts); c.*3148A>G (NM_001378194.1, NM_001378196.1, NM_001378199.1 and 3 more transcripts).
Identifiers: ClinVar variation 346761 (VCV000346761.7), dbSNP rs115587257, ClinGen allele CA10616711.
Genomic context (GRCh38, chr3:77,649,206, plus strand): 5'-AATCCAGTTCAAGGGAGAATGTAGAAAATTCAAAACCAACATATAAGGTATCACACAACC[A>G]AGAAAAGTAAAACCATTGCAAGTTTACTTGCGTTGAGTACAAAACAGATTTAATGGTGTT-3'